The following is an entry in ClinVar:

NM_018127.7(ELAC2):c.1033C>T (p.Pro345Ser)

Gene: ELAC2 (elaC ribonuclease Z 2; minus strand). Cytogenetic location: 17p12.
Variant type: single nucleotide variant.
Coding change: c.1033C>T on transcript NM_018127.7 (MANE Select); coding-DNA position 1033, C replaced by T.
Protein change: p.Pro345Ser; replaces proline 345 with serine.
Molecular consequence: missense variant.
Genome position (GRCh38, 1-based): chr17:13,003,525, G>A on the plus strand (C>T on the coding strand, the complement: ELAC2 is on the minus strand). VCF-style: chr17-13003525-G-A. GRCh37 (hg19) VCF-style: chr17-12906842-G-A.
Other names: c.913C>T, p.Pro305Ser (NM_001165962.2); c.1033C>T, p.Pro345Ser (NM_173717.2); short protein forms P305S, P345S.
Identifiers: ClinVar variation 1805756 (VCV001805756.1), dbSNP rs2508292744, ClinGen allele CA398225840.

ClinVar aggregate classification (germline): Uncertain significance (1 of 4 stars; one submission).

Conditions:
Combined oxidative phosphorylation defect type 17. Also called: Combined oxidative phosphorylation deficiency 17. Identifiers: Orphanet 369913, MedGen C3809526, MONDO:0014190, OMIM 615440.

Submission:

Victorian Clinical Genetics Services, Murdoch Childrens Research Institute
Classification: Uncertain significance for Combined oxidative phosphorylation defect type 17. Last evaluated: 2020-05-21. Review status: criteria provided, single submitter. Criteria: ACMG Guidelines, 2015. Collection method: clinical testing. Allele origin: germline. Inheritance: Autosomal recessive inheritance. Affected: yes.
Comment: A heterozygous missense variant was identified, NM_018127.6(ELAC2):c.1033C>T in exon 12 of 24 of the ELAC2 gene. This substitution is predicted to create a moderate amino acid change from a proline to a serine at position 345 of the protein, NP_060597.4(ELAC2):p.(Pro345Ser). The proline at this position has very high conservation (100 vertebrates, UCSC), but is not situated in a known functional domain. In silico software predicts this variant to be disease causing (Polyphen, SIFT, CADD, Mutation Taster). The variant is not present in the gnomAD population database. The variant has not been previously reported in a clinical testing setting. Based on information available at the time of curation, this variant has been classified as a VARIANT of UNCERTAIN SIGNIFICANCE (VUS). Legend: (P) - Pathogenic, (N) - Neutral, (B) - Benign